The following is an entry in ClinVar:

NM_000170.3(GLDC):c.2603G>C (p.Arg868Thr)

Gene: GLDC (glycine decarboxylase; minus strand). Cytogenetic location: 9p24.1.
Variant type: single nucleotide variant.
Coding change: c.2603G>C on transcript NM_000170.3 (MANE Select); coding-DNA position 2603, G replaced by C.
Protein change: p.Arg868Thr; replaces arginine 868 with threonine.
Molecular consequence: missense variant.
Genome position (GRCh38, 1-based): chr9:6,540,113, C>G on the plus strand (G>C on the coding strand, the complement: GLDC is on the minus strand). VCF-style: chr9-6540113-C-G. GRCh37 (hg19) VCF-style: chr9-6540113-C-G.
Other names: short protein forms R868T.
Identifiers: ClinVar variation 1063096 (VCV001063096.9), dbSNP rs1376198157, ClinGen allele CA372883669.

ClinVar aggregate classification (germline): Uncertain significance (1 of 4 stars; one submission).

Conditions:
Glycine encephalopathy. Also called: Nonketotic hyperglycinemia; Non-ketotic hyperglycinemia. Identifiers: Orphanet 407, MedGen C0751748, MONDO:0011612, HP:0008288.

Allele frequency attached by ClinVar (database versions not stated): gnomAD exomes below 0.00001.
gnomAD v4.1: 1 of 1,613,058 alleles (0.000062%); highest among the groups gnomAD compares: South Asian, 0.0011%; no homozygotes.

Submission:

Labcorp Genetics (formerly Invitae), Labcorp
Classification: Uncertain significance for Glycine encephalopathy. Last evaluated: 2022-07-11. Review status: criteria provided, single submitter. Criteria: Invitae Variant Classification Sherloc (09022015). Collection method: clinical testing. Allele origin: germline.
Comment: In summary, the available evidence is currently insufficient to determine the role of this variant in disease. Therefore, it has been classified as a Variant of Uncertain Significance. Algorithms developed to predict the effect of missense changes on protein structure and function are either unavailable or do not agree on the potential impact of this missense change (SIFT: "Deleterious"; PolyPhen-2: "Probably Damaging"; Align-GVGD: "Class C0"). ClinVar contains an entry for this variant (Variation ID: 1063096). This variant has not been reported in the literature in individuals affected with GLDC-related conditions. This variant is present in population databases (no rsID available, gnomAD 0.003%). This sequence change replaces arginine, which is basic and polar, with threonine, which is neutral and polar, at codon 868 of the GLDC protein (p.Arg868Thr).